The following is an entry in ClinVar:

ClinVar aggregate classification (germline): Pathogenic (1 of 4 stars; one submission).

Conditions:
Ververi-Brady syndrome 1. Identifiers: Orphanet 580940, MedGen C6065891, MONDO:0060707, OMIM 617982.

Submission:

Department of Clinical Genetics, Aarhus University Hospital
Classification: Pathogenic for Ververi-Brady syndrome 1. Last evaluated: 2026-10-01. Review status: criteria provided, single submitter. Criteria: ACMG Guidelines, 2015. Collection method: clinical testing. Allele origin: de novo. Inheritance: Autosomal dominant inheritance. Affected: yes.
Comment: The variant is not seen in gnomAD 4.1. The variant is a frameshift variant predicted to cause a premature termination codon in exon 4 of 11, and is anticipated to result in nonsense mediated decay. According to the ACMG guidelines, this variant is interpreted as pathogenic (PM2_supporting, PVS1, PS2_supporting).

Literature cited by the submitters: PubMed 34859529.

NM_198880.3(QRICH1):c.270_280dup (p.Ile94fs)

Gene: QRICH1 (glutamine rich 1; minus strand). Cytogenetic location: 3p21.31.
Variant type: Duplication.
Coding change: c.270_280dup on transcript NM_198880.3 (MANE Select); coding-DNA positions 270 to 280, 11 bases duplicated (AGAACAGCAGA).
Protein change: p.Ile94fs; shifts the reading frame from isoleucine 94.
Molecular consequence: frameshift variant.
Genome position (GRCh38, 1-based): chr3:49,076,738-49,076,748, TCTGCTGTTCT duplicated on the plus strand (AGAACAGCAGA on the coding strand, the reverse complement: QRICH1 is on the minus strand); duplicating any 11 consecutive bases within chr3:49,076,738-49,076,749 gives the same sequence; the c. name uses the placement nearest the transcript's 3' end. VCF-style (leftmost placement, unchanged base first): chr3-49076737-A-ATCTGCTGTTCT. GRCh37 (hg19) VCF-style: chr3-49114170-A-ATCTGCTGTTCT.
Other names: c.270_280dup, p.Ile94fs (NM_001320580.2, NM_001320581.2, NM_001320582.2 and 4 more transcripts); short protein forms I94fs.
Identifiers: ClinVar variation 5038441 (VCV005038441.1).
Genomic context (GRCh38, chr3:49,076,737, plus strand): 5'-AAACAGGCTGCACCTCAGCATTTCCCATATACCTGAACCTGCTGCGGCTGCTGAACCTGG[A>ATCTGCTGTTCT]TCTGCTGTTCTTGCTGGGTTTGTGGCTGAACACTGGTGGTGACTGGACAGGCAAGTTCAA-3'